The following is an entry in ClinVar:

NM_020693.4(DSCAML1):c.241A>G (p.Thr81Ala)

Gene: DSCAML1 (DS cell adhesion molecule like 1; minus strand). Cytogenetic location: 11q23.3.
Variant type: single nucleotide variant.
Coding change: c.241A>G on transcript NM_020693.4 (MANE Select); coding-DNA position 241, A replaced by G.
Protein change: p.Thr81Ala; replaces threonine 81 with alanine.
Molecular consequence: missense variant. On other transcripts: 5 prime UTR variant (1).
Genome position (GRCh38, 1-based): chr11:117,780,616, T>C on the plus strand (A>G on the coding strand, the complement: DSCAML1 is on the minus strand). VCF-style: chr11-117780616-T-C. GRCh37 (hg19) VCF-style: chr11-117651331-T-C.
Other names: c.241A>G, p.Thr81Ala (NM_001367904.1); c.-168A>G (NM_001367905.1); short protein forms T81A.
Identifiers: ClinVar variation 2110332 (VCV002110332.4), dbSNP rs377765018, ClinGen allele CA6297618.

ClinVar aggregate classification (germline): Uncertain significance (1 of 4 stars; one submission).

Allele frequency attached by ClinVar (database versions not stated): TOPMed 0.00003; gnomAD 0.00001; ESP Exome Variant Server 0.00008; ExAC 0.00001; gnomAD exomes below 0.00001.

Submission:

Labcorp Genetics (formerly Invitae), Labcorp
Classification: Uncertain significance. Last evaluated: 2025-12-06. Review status: criteria provided, single submitter. Criteria: Invitae Variant Classification Sherloc (09022015). Collection method: clinical testing. Allele origin: germline.
Comment: This sequence change replaces threonine, which is neutral and polar, with alanine, which is neutral and non-polar, at codon 141 of the DSCAML1 protein (p.Thr141Ala). This variant is present in population databases (rs377765018, gnomAD 0.007%). This variant has not been reported in the literature in individuals affected with DSCAML1-related conditions. ClinVar contains an entry for this variant (Variation ID: 2110332). An algorithm developed to predict the effect of missense changes on protein structure and function (PolyPhen-2) suggests that this variant is likely to be disruptive. In summary, the available evidence is currently insufficient to determine the role of this variant in disease. Therefore, it has been classified as a Variant of Uncertain Significance.